The following is an entry in ClinVar:

NM_001375405.1(CEP120):c.2443C>T (p.Arg815Cys)

Gene: CEP120 (centrosomal protein 120; minus strand). Cytogenetic location: 5q23.2.
Variant type: single nucleotide variant.
Coding change: c.2443C>T on transcript NM_001375405.1 (MANE Select); coding-DNA position 2443, C replaced by T.
Protein change: p.Arg815Cys; replaces arginine 815 with cysteine.
Molecular consequence: missense variant. On other transcripts: non-coding transcript variant (1).
Genome position (GRCh38, 1-based): chr5:123,372,688, G>A on the plus strand (C>T on the coding strand, the complement: CEP120 is on the minus strand). VCF-style: chr5-123372688-G-A. GRCh37 (hg19) VCF-style: chr5-122708382-G-A.
Other names: c.2365C>T, p.Arg789Cys (NM_001166226.2); c.2308C>T, p.Arg770Cys (NM_001375406.1); c.2443C>T, p.Arg815Cys (NM_001375407.1, NM_153223.4); c.1870C>T, p.Arg624Cys (NM_001375408.1, NM_001375409.1); short protein forms R624C, R770C, R789C, R815C.
Identifiers: ClinVar variation 1309658 (VCV001309658.8), dbSNP rs757166785, ClinGen allele CA3386622.
Genomic context (GRCh38, chr5:123,372,688, plus strand): 5'-TGCACAAAATTAACATGTGTACCTTTTCCAAGGTGAGAAGATTTATTTCAGACTGTAGAC[G>A]GATTTCTGGTTTGTTGTTTTGCTGGTCCTTGAACTGTTGGAACTCTTTTTCCAAAATCTT-3'
Protein context (NP_001362334.1, residues 805-825): KDQQNNKPEI[Arg815Cys]LQSEINLLTL

ClinVar aggregate classification (germline): Uncertain significance. Review status: criteria provided, multiple submitters, no conflicts (2 of 4 stars). 2 submissions from 2 submitters: Uncertain significance (2). Last evaluated 2022-06-20.

Conditions:
Short-rib thoracic dysplasia 13 with or without polydactyly (SRTD13). Identifiers: Orphanet 474, MedGen C4225378, MONDO:0014577, OMIM 616300.

Allele frequency attached by ClinVar (database versions not stated): ExAC 0.00001; gnomAD 0.00001; gnomAD exomes 0.00001 and 0.00002; TOPMed 0.00002.
gnomAD v4.1: 22 of 1,611,630 alleles (0.0014%); highest among the groups gnomAD compares: Admixed American, 0.0017%; no homozygotes.

Submissions (2):

Labcorp Genetics (formerly Invitae), Labcorp
Classification: Uncertain significance for Short-rib thoracic dysplasia 13 with or without polydactyly. Last evaluated: 2022-06-20. Review status: criteria provided, single submitter. Criteria: Invitae Variant Classification Sherloc (09022015). Collection method: clinical testing. Allele origin: germline.
Comment: This sequence change replaces arginine, which is basic and polar, with cysteine, which is neutral and slightly polar, at codon 815 of the CEP120 protein (p.Arg815Cys). This variant is present in population databases (rs757166785, gnomAD 0.003%). This variant has not been reported in the literature in individuals affected with CEP120-related conditions. ClinVar contains an entry for this variant (Variation ID: 1309658). Algorithms developed to predict the effect of missense changes on protein structure and function (SIFT, PolyPhen-2, Align-GVGD) all suggest that this variant is likely to be disruptive. In summary, the available evidence is currently insufficient to determine the role of this variant in disease. Therefore, it has been classified as a Variant of Uncertain Significance.

GeneDx
Classification: Uncertain significance. Last evaluated: 2019-10-24. Review status: criteria provided, single submitter. Criteria: GeneDx Variant Classification Process June 2021. Collection method: clinical testing. Allele origin: germline. Affected: yes.
Comment: In silico analysis, which includes protein predictors and evolutionary conservation, supports a deleterious effect; Has not been previously published as pathogenic or benign to our knowledge